The following is an entry in ClinVar:

ClinVar aggregate classification (germline): Uncertain significance. Review status: criteria provided, multiple submitters, no conflicts (2 of 4 stars). 3 submissions from 3 submitters: Uncertain significance (3). Last evaluated 2024-10-07.

Conditions:
Pyruvate dehydrogenase E3-binding protein deficiency (PDHXD). Also called: LACTIC ACIDEMIA DUE TO DEFECT IN LIPOYL-CONTAINING COMPONENT X OF THE PYRUVATE DEHYDROGENASE COMPLEX; E3-Binding Protein (Component X) Deficiency; Lacticacidemia due to PDX1 deficiency; PYRUVATE HYDROGENASE E3-BINDING PROTEIN DEFICIENCY. Identifiers: Orphanet 255182, MedGen C1855553, MONDO:0009503, OMIM 245349.
Inborn genetic diseases. Identifiers: MedGen C0950123, MeSH D030342.

Allele frequency attached by ClinVar (database versions not stated): ExAC 0.00002; gnomAD 0.00002; gnomAD exomes 0.00003.
gnomAD v4.1: 42 of 1,613,500 alleles (0.0026%); highest among the groups gnomAD compares: Non-Finnish European, 0.0031%; no homozygotes.

Submissions (3):

GeneDx
Classification: Uncertain significance. Last evaluated: 2024-10-07. Review status: criteria provided, single submitter. Criteria: GeneDx Variant Classification Process June 2021. Collection method: clinical testing. Allele origin: germline. Affected: yes.
Comment: Not observed at significant frequency in large population cohorts (gnomAD); In silico analysis indicates that this missense variant does not alter protein structure/function; Has not been previously published as pathogenic or benign to our knowledge

Fulgent Genetics
Classification: Uncertain significance for Pyruvate dehydrogenase E3-binding protein deficiency. Last evaluated: 2024-04-04. Review status: criteria provided, single submitter. Criteria: ACMG Guidelines, 2015. Collection method: clinical testing. Allele origin: germline.

Ambry Genetics
Classification: Uncertain significance for Inborn genetic diseases. Last evaluated: 2022-03-08. Review status: criteria provided, single submitter. Criteria: Ambry Variant Classification Scheme 2023. Collection method: clinical testing. Allele origin: germline.

NM_003477.3(PDHX):c.520G>A (p.Glu174Lys)

Gene: PDHX (pyruvate dehydrogenase complex component X; plus strand). Cytogenetic location: 11p13.
Variant type: single nucleotide variant.
Coding change: c.520G>A on transcript NM_003477.3 (MANE Select); coding-DNA position 520, G replaced by A.
Protein change: p.Glu174Lys; replaces glutamic acid 174 with lysine.
Molecular consequence: missense variant. On other transcripts: intron variant (1).
Genome position (GRCh38, 1-based): chr11:34,957,561, G>A. VCF-style: chr11-34957561-G-A. GRCh37 (hg19) VCF-style: chr11-34979108-G-A.
Other names: c.340G>A, p.Glu114Lys (NM_001135024.2); c.342+9955G>A (NM_001166158.2); short protein forms E174K, E114K.
Identifiers: ClinVar variation 2248247 (VCV002248247.4), dbSNP rs774065524, ClinGen allele CA5945883.